The following is an entry in ClinVar:

NM_000260.4(MYO7A):c.4685G>T (p.Gly1562Val)

Gene: MYO7A (myosin VIIA; plus strand). Cytogenetic location: 11q13.5.
Variant type: single nucleotide variant.
Coding change: c.4685G>T on transcript NM_000260.4 (MANE Select); coding-DNA position 4685, G replaced by T.
Protein change: p.Gly1562Val; replaces glycine 1562 with valine.
Molecular consequence: missense variant.
Genome position (GRCh38, 1-based): chr11:77,199,651, G>T. VCF-style: chr11-77199651-G-T. GRCh37 (hg19) VCF-style: chr11-76910696-G-T.
Other names: c.4571G>T, p.Gly1524Val (NM_001127180.2); c.4538G>T, p.Gly1513Val (NM_001369365.1); short protein forms G1562V, G1513V, G1524V.
Identifiers: ClinVar variation 860017 (VCV000860017.9), dbSNP rs1433214850, ClinGen allele CA381950725.

ClinVar aggregate classification (germline): Uncertain significance (1 of 4 stars; one submission).

Allele frequency attached by ClinVar (database versions not stated): gnomAD exomes below 0.00001.
gnomAD v4.1: 2 of 1,612,542 alleles (0.00012%); highest among the groups gnomAD compares: Admixed American, 0.0033%; no homozygotes.

Submission:

Labcorp Genetics (formerly Invitae), Labcorp
Classification: Uncertain significance. Last evaluated: 2025-09-02. Review status: criteria provided, single submitter. Criteria: Invitae Variant Classification Sherloc (09022015). Collection method: clinical testing. Allele origin: germline.
Comment: This sequence change replaces glycine, which is neutral and non-polar, with valine, which is neutral and non-polar, at codon 1562 of the MYO7A protein (p.Gly1562Val). This variant is present in population databases (no rsID available, gnomAD 0.003%). This variant has not been reported in the literature in individuals affected with MYO7A-related conditions. ClinVar contains an entry for this variant (Variation ID: 860017). Invitae Evidence Modeling of protein sequence and biophysical properties (such as structural, functional, and spatial information, amino acid conservation, physicochemical variation, residue mobility, and thermodynamic stability) has been performed for this missense variant. However, the output from this modeling did not meet the statistical confidence thresholds required to predict the impact of this variant on MYO7A protein function. In summary, the available evidence is currently insufficient to determine the role of this variant in disease. Therefore, it has been classified as a Variant of Uncertain Significance.